The following is an entry in ClinVar:

NM_004928.3(CFAP410):c.621C>T (p.Ala207=)

Gene: CFAP410 (cilia and flagella associated protein 410; minus strand). Cytogenetic location: 21q22.3.
Variant type: single nucleotide variant.
Coding change: c.621C>T on transcript NM_004928.3 (MANE Select); coding-DNA position 621, C replaced by T.
Protein change: p.Ala207=; no amino-acid change (alanine 207 retained).
Molecular consequence: synonymous variant.
Genome position (GRCh38, 1-based): chr21:44,330,844, G>A on the plus strand (C>T on the coding strand, the complement: CFAP410 is on the minus strand). VCF-style: chr21-44330844-G-A. GRCh37 (hg19) VCF-style: chr21-45750727-G-A.
Other names: c.618C>T, p.Ala206= (NM_001271440.2, NM_001271441.2); c.495C>T, p.Ala165= (NM_001271442.1).
Identifiers: ClinVar variation 756204 (VCV000756204.8), dbSNP rs757097265, ClinGen allele CA10053585.

ClinVar aggregate classification (germline): Likely benign. Review status: criteria provided, single submitter (1 of 4 stars). 2 submissions from 2 submitters: Likely benign (1). 1 of the submissions does not count toward it. Last evaluated 2025-11-22.

Conditions:
CFAP410-related disorder. Also called: CFAP410-related condition.

Allele frequency attached by ClinVar (database versions not stated): gnomAD 0.00001; TOPMed 0.00002; gnomAD exomes 0.00003 and 0.00008; ExAC 0.00010.
gnomAD v4.1: 21 of 1,605,886 alleles (0.0013%); highest among the groups gnomAD compares: Admixed American, 0.035%; no homozygotes.

Submissions (2):

Labcorp Genetics (formerly Invitae), Labcorp
Classification: Likely benign. Last evaluated: 2025-11-22. Review status: criteria provided, single submitter. Criteria: Invitae Variant Classification Sherloc (09022015). Collection method: clinical testing. Allele origin: germline.

PreventionGenetics, part of Exact Sciences
Classification: Likely benign for CFAP410-related condition. Last evaluated: 2023-04-27. Review status: no assertion criteria provided. Collection method: clinical testing. Allele origin: germline. Not counted in ClinVar's aggregate classification.
Comment: This variant is classified as likely benign based on ACMG/AMP sequence variant interpretation guidelines (Richards et al. 2015 PMID: 25741868, with internal and published modifications).